The following is an entry in ClinVar:

NM_000238.4(KCNH2):c.1283C>T (p.Ser428Leu)

Gene: KCNH2 (potassium voltage-gated channel subfamily H member 2; minus strand). Cytogenetic location: 7q36.1.
Variant type: single nucleotide variant.
Coding change: c.1283C>T on transcript NM_000238.4 (MANE Select); coding-DNA position 1283, C replaced by T.
Protein change: p.Ser428Leu; replaces serine 428 with leucine.
Molecular consequence: missense variant.
Genome position (GRCh38, 1-based): chr7:150,952,699, G>A on the plus strand (C>T on the coding strand, the complement: KCNH2 is on the minus strand). VCF-style: chr7-150952699-G-A. GRCh37 (hg19) VCF-style: chr7-150649787-G-A.
Other names: c.1283C>T (LRG_288t1, NM_000238.2); c.263C>T, p.Ser88Leu (NM_001204798.2, NM_172057.3); c.995C>T, p.Ser332Leu (NM_001406753.1, NM_001406756.1); c.1106C>T, p.Ser369Leu (NM_001406755.1); c.983C>T, p.Ser328Leu (NM_001406757.1); c.1283C>T, p.Ser428Leu (NM_172056.3); short protein forms S428L, S88L, S332L, S369L, S328L.
Identifiers: ClinVar variation 67180 (VCV000067180.18), dbSNP rs199472899, ClinGen allele CA004407.

ClinVar aggregate classification (germline): Conflicting classifications of pathogenicity. Review status: criteria provided, conflicting classifications (1 of 4 stars). 8 submissions from 8 submitters: Pathogenic (2); Likely pathogenic (2); Uncertain significance (3). 1 of the submissions does not count toward it. Last evaluated 2025-12-16.

Conditions:
Cardiac arrhythmia. Also called: Arrhythmia; Cardiac rhythm disease. Identifiers: MedGen C0003811, MONDO:0007263, HP:0011675.
Familial long QT syndrome (RWS). Also called: Congenital long QT syndrome; Romano-Ward syndrome; VENTRICULAR FIBRILLATION WITH PROLONGED QT INTERVAL. Identifiers: Orphanet 768, MedGen C1141890, MONDO:0019171.
Long QT syndrome (LQTS). Identifiers: MedGen C0023976, MeSH D008133, MONDO:0002442. Disease mechanism: loss of function. Inheritance: Various modes of inheritance.
Long QT syndrome 2 (LQT2). Identifiers: Orphanet 101016, Orphanet 768, MedGen C3150943, MONDO:0013367, OMIM 613688.

Allele frequency attached by ClinVar (database versions not stated): TOPMed below 0.00001; gnomAD 0.00001; ExAC 0.00002; gnomAD exomes 0.00001 and 0.00002.
gnomAD v4.1: 10 of 1,614,070 alleles (0.00062%); highest among the groups gnomAD compares: Admixed American, 0.0033%; no homozygotes.

Submissions (8):

Labcorp Genetics (formerly Invitae), Labcorp
Classification: Pathogenic for Long QT syndrome. Last evaluated: 2025-12-16. Review status: criteria provided, single submitter. Criteria: Invitae Variant Classification Sherloc (09022015). Collection method: clinical testing. Allele origin: germline.
Comment: This sequence change replaces serine, which is neutral and polar, with leucine, which is neutral and non-polar, at codon 428 of the KCNH2 protein (p.Ser428Leu). This variant is present in population databases (rs199472899, gnomAD 0.006%). This missense change has been observed in individuals with clinical features of long QT syndrome (PMID: 11854117, 14521653, 28438721, 36861347; internal data). It has also been observed to segregate with disease in related individuals. ClinVar contains an entry for this variant (Variation ID: 67180). An algorithm developed to predict the effect of missense changes on protein structure and function (PolyPhen-2) suggests that this variant is likely to be disruptive. Experimental studies have shown that this missense change affects KCNH2 function (PMID: 28280240). For these reasons, this variant has been classified as Pathogenic.

Color Diagnostics, LLC DBA Color Health
Classification: Likely pathogenic for Cardiac arrhythmia. Last evaluated: 2025-11-24. Review status: criteria provided, single submitter. Criteria: ACMG Guidelines, 2015. Collection method: clinical testing. Allele origin: germline.
Comment: This missense variant replaces serine with leucine at codon 428 of the KCNH2 protein. Computational prediction suggests that this variant may have deleterious impact on protein structure and function. This variant is located within the conserved transmembrane S1 domain of the KCNH2 protein. Rare non-truncating variants in this region have been shown to be significantly overrepresented in individuals with long QT syndrome (PMID: 32893267). A functional study has shown that this variant results in partial reduction in membrane expression of the channel protein and perturbation of potassium channel function (PMID: 28280240). This variant has been reported in over ten individuals with long QT syndrome (PMID: 11854117, 20541041, 24606995, 27379800, 31610692, 32893267, 36861347). It has also been observed in four related individuals in a consanguineous family with QTc 426-470 ms (PMID: 28438721). This variant is rare in the general population and has been identified in 5/282858 chromosomes in the general population by the Genome Aggregation Database (gnomAD). Based on the available evidence, this variant is classified as Likely Pathogenic.

Clinical Genomics Laboratory, Washington University in St. Louis
Classification: Pathogenic for Long QT syndrome 2. Last evaluated: 2025-03-19. Review status: criteria provided, single submitter. Criteria: ACMG Guidelines, 2015. Collection method: clinical testing. Allele origin: germline. Affected: yes.
Comment: The KCNH2 c.1283C>T (p.Ser428Leu) variant has been reported in at least 10 unrelated individuals affected with long QT syndrome and is reported to segregate with disease in six individuals in two families (Aizawa T et al., PMID: 36861347; Al-Hassnan ZN et al., PMID: 28438721; Christiansen M et al., PMID: 24606995; Imboden M et al., PMID: 17192539; Itoh H et al., PMID: 20541041; Kirchhof P et al., PMID: 14521653; Marstrand et al., PMID: 34531279; Moss AJ et al., PMID: 11854117; Napolitano C et al., PMID: 16414944; Samol A et al., PMID: 27379800). This variant is only observed on 10 out of 1,614,070 alleles in the general population (gnomAD v4.1), indicating it is not a common variant. Functional studies show a reduction in membrane expression of the channel protein and perturbed gating transitions, indicating that this variant impacts protein function (Phan K et al., PMID: 28280240). Computational predictors indicate that the variant is damaging, evidence that correlates with impact on KCNH2 function. This variant has been reported in the ClinVar database as a germline pathogenic and likely pathogenic variant by one submitter each and a variant of uncertain significance by two submitters (ClinVar Variation ID: 67180). Based on available information and the ACMG/AMP guidelines for variant interpretation (Richards S et al., PMID: 25741868), this variant is classified as likely pathogenic.

All of Us Research Program, National Institutes of Health
Classification: Likely pathogenic for Long QT syndrome. Last evaluated: 2024-09-23. Review status: criteria provided, single submitter. Criteria: ACMG Guidelines, 2015. Collection method: clinical testing. Allele origin: germline. Inheritance: Autosomal dominant inheritance. Observed: 1 variant allele, 1 heterozygote.
Comment: The c.1283C>T (p.Ser428Leu) variant in KCNH2 gene, that encodes for potassium voltage-gated channel subfamily H member 2, has been identified in at least ten unrelated individuals affected with long QT syndrome (LQTS) and segregated with disease in six affected individuals in three families (PMID:11854117, 20541041, 24606995, 27379800, 32893267, 31610692, 14521653, 28438721, 26669661). Functional studies revealed that this variant showed some degree of reduction in the membrane expression of the channel protein (PMID: 28280240). This variant is located in the ion channel transmembrane region and this domain is characterized by high enrichment of case variants and >95% probability of pathogenicity (PMID: 32893267). In-silico computational prediction tools suggest that the p.Ser428Leu variant may have deleterious effect on the protein function (REVEL score: 0.922). This variant is found to be rare (10/1614070; 0.0006196%) in the general population database, gnomAD v4.1.0. Therefore, the c.1283C>T (p.Ser428Leu) variant in the KCNH2 gene is classified as likely pathogenic.

This study involves interpretation of variants in research participants for the purpose of population health screening. Participant phenotype was not available at the time of variant classification. Additional details can be found in publication PMID: 35346344, PMCID: PMC8962531

Women's Health and Genetics/Laboratory Corporation of America, LabCorp
Classification: Uncertain significance. Last evaluated: 2024-02-02. Review status: criteria provided, single submitter. Criteria: LabCorp Variant Classification Summary - May 2015. Collection method: clinical testing. Allele origin: germline.
Comment: Variant summary: KCNH2 c.1283C>T (p.Ser428Leu) results in a non-conservative amino acid change located in the Ion transport domain (IPR005821) of the encoded protein sequence. Three of five in-silico tools predict a damaging effect of the variant on protein function. The variant allele was found at a frequency of 1.6e-05 in 251480 control chromosomes (gnomAD). The available data on variant occurrences in the general population are insufficient to allow any conclusion about variant significance. c.1283C>T has been reported in the literature in individuals affected with Long QT Syndrome (Moss_2002, Kirchhof_2003, Napolitano_2005, Imboden_2006, Itoh_2010, Christiansen_2014, Samol_2016, Marstrand_2021, Aizawa_2023). These reports do not provide unequivocal conclusions about association of the variant with Arrhythmia. To our knowledge, no experimental evidence demonstrating an impact on protein function has been reported. The following publications have been ascertained in the context of this evaluation (PMID: 36861347, 24606995, 17192539, 20541041, 14521653, 34531279, 11854117, 16414944, 27379800). ClinVar contains an entry for this variant (Variation ID: 67180). Based on the evidence outlined above, the variant was classified as uncertain significance.

GeneDx
Classification: Uncertain significance. Last evaluated: 2022-06-03. Review status: criteria provided, single submitter. Criteria: GeneDx Variant Classification Process June 2021. Collection method: clinical testing. Allele origin: germline. Affected: yes.
Comment: Reported in association with LQTS; however, detailed clinical information was not provided (Moss et al., 2002); Published functional studies demonstrate that this variant leads to a reduction in membrane expression of the channel protein (Phan et al., 2017); however additional studies are needed to validate the functional effect of this variant in vivo; Not observed at significant frequency in large population cohorts (gnomAD); In silico analysis supports that this missense variant has a deleterious effect on protein structure/function; This variant is associated with the following publications: (PMID: 28438721, 16414944, 19862833, 28476926, 11854117, 28280240)

Blueprint Genetics
Classification: Uncertain significance. Last evaluated: 2022-04-29. Review status: criteria provided, single submitter. Criteria: ACMG Guidelines, 2015. Collection method: clinical testing. Allele origin: germline.

Cardiovascular Biomedical Research Unit, Royal Brompton & Harefield NHS Foundation Trust
No classification provided. Condition: Familial long QT syndrome. Review status: no classification provided. Collection method: literature only. Allele origin: germline. Not counted in ClinVar's aggregate classification.
Comment: This variant has been reported as associated with Long QT syndrome in the following publications (PMID:11854117;PMID:16414944). This is a literature report, and does not necessarily reflect the clinical interpretation of the Imperial College / Royal Brompton Cardiovascular Genetics laboratory.

Literature cited by the submitters: PubMed 11854117 (cited by 5 submitters); PubMed 14521653 (cited by 3 submitters); PubMed 28438721 (cited by 3 submitters); PubMed 36861347 (cited by 3 submitters); PubMed 28280240 (cited by 3 submitters); PubMed 20541041 (cited by 3 submitters); PubMed 24606995 (cited by 3 submitters); PubMed 27379800 (cited by 3 submitters); PubMed 31610692 (cited by Color Diagnostics, LLC DBA Color Health and All of Us Research Program, National Institutes of Health); PubMed 32893267 (cited by Color Diagnostics, LLC DBA Color Health and All of Us Research Program, National Institutes of Health); PubMed 26669661 (cited by All of Us Research Program, National Institutes of Health); PubMed 16414944 (cited by Women's Health and Genetics/Laboratory Corporation of America, LabCorp and Cardiovascular Biomedical Research Unit, Royal Brompton & Harefield NHS Foundation Trust); PubMed 17192539 (cited by Women's Health and Genetics/Laboratory Corporation of America, LabCorp); PubMed 34531279 (cited by Women's Health and Genetics/Laboratory Corporation of America, LabCorp); PubMed 22581653 (cited by Cardiovascular Biomedical Research Unit, Royal Brompton & Harefield NHS Foundation Trust).